The following is an entry in ClinVar:

NM_017534.6(MYH2):c.1311G>C (p.Lys437Asn)

Genes: MYHAS (myosin heavy chain gene cluster antisense RNA; plus strand), MYH2 (myosin heavy chain 2; minus strand). Cytogenetic location: 17p13.1.
Variant type: single nucleotide variant.
Coding change: c.1311G>C on transcript NM_017534.6 (MANE Select); coding-DNA position 1311, G replaced by C.
Protein change: p.Lys437Asn; replaces lysine 437 with asparagine.
Molecular consequence: missense variant.
Genome position (GRCh38, 1-based): chr17:10,539,310, C>G on the plus strand (G>C on the coding strand, the complement: MYH2 is on the minus strand). VCF-style: chr17-10539310-C-G. GRCh37 (hg19) VCF-style: chr17-10442627-C-G.
Other names: c.1311G>C, p.Lys437Asn (NM_001100112.2); short protein forms K437N.
Identifiers: ClinVar variation 1390740 (VCV001390740.6), dbSNP rs2142313163, ClinGen allele CA398159417.

ClinVar aggregate classification (germline): Uncertain significance (1 of 4 stars; one submission).

Conditions:
Myopathy, proximal, and ophthalmoplegia (CMYO6). Also called: INCLUSION BODY MYOPATHY 3, AUTOSOMAL DOMINANT; CONGENITAL MYOPATHY 6 WITH OPHTHALMOPLEGIA; MYOPATHY WITH CONGENITAL JOINT CONTRACTURES, OPHTHALMOPLEGIA, AND RIMMED VACUOLES. Identifiers: Orphanet 363677, Orphanet 79091, MedGen C1854106, MONDO:0011577, OMIM 605637.

Submission:

Labcorp Genetics (formerly Invitae), Labcorp
Classification: Uncertain significance for Myopathy, proximal, and ophthalmoplegia. Last evaluated: 2024-10-15. Review status: criteria provided, single submitter. Criteria: Invitae Variant Classification Sherloc (09022015). Collection method: clinical testing. Allele origin: germline.
Comment: This sequence change replaces lysine, which is basic and polar, with asparagine, which is neutral and polar, at codon 437 of the MYH2 protein (p.Lys437Asn). This variant is not present in population databases (gnomAD no frequency). This variant has not been reported in the literature in individuals affected with MYH2-related conditions. ClinVar contains an entry for this variant (Variation ID: 1390740). Invitae Evidence Modeling of protein sequence and biophysical properties (such as structural, functional, and spatial information, amino acid conservation, physicochemical variation, residue mobility, and thermodynamic stability) indicates that this missense variant is expected to disrupt MYH2 protein function with a positive predictive value of 80%. In summary, the available evidence is currently insufficient to determine the role of this variant in disease. Therefore, it has been classified as a Variant of Uncertain Significance.